The following is an entry in ClinVar:

ClinVar aggregate classification (germline): Uncertain significance (1 of 4 stars; one submission).

Conditions:
Inborn genetic diseases. Identifiers: MedGen C0950123, MeSH D030342.

Submission:

Ambry Genetics
Classification: Uncertain significance for Inborn genetic diseases. Last evaluated: 2025-01-30. Review status: criteria provided, single submitter. Criteria: Ambry Variant Classification Scheme 2023. Collection method: clinical testing. Allele origin: germline.
Comment: The p.G562V variant (also known as c.1685G>T), located in coding exon 18 of the FANCA gene, results from a G to T substitution at nucleotide position 1685. The glycine at codon 562 is replaced by valine, an amino acid with dissimilar properties. This amino acid position is conserved. In addition, this alteration is predicted to be deleterious by in silico analysis. Based on the available evidence, the clinical significance of this variant remains unclear.

NM_000135.4(FANCA):c.1685G>T (p.Gly562Val)

Gene: FANCA (FA complementation group A; minus strand). Cytogenetic location: 16q24.3.
Variant type: single nucleotide variant.
Coding change: c.1685G>T on transcript NM_000135.4 (MANE Select); coding-DNA position 1685, G replaced by T.
Protein change: p.Gly562Val; replaces glycine 562 with valine.
Molecular consequence: missense variant.
Genome position (GRCh38, 1-based): chr16:89,779,899, C>A on the plus strand (G>T on the coding strand, the complement: FANCA is on the minus strand). VCF-style: chr16-89779899-C-A. GRCh37 (hg19) VCF-style: chr16-89846307-C-A.
Other names: c.1685G>T, p.Gly562Val (NM_001286167.3); short protein forms G562V.
Identifiers: ClinVar variation 3848160 (VCV003848160.1).
Genomic context (GRCh38, chr16:89,779,899, plus strand): 5'-GCTAGAGGCCTTTTCGGCAGCCCAGCCTACCTGGCCTCCATGACGGTGACTGGGATGTTC[C>A]CCGTATGCTCAAACACCATGATGGCCTTTTCAACATCCTGAAGAGCTTGGCTGTGGGGCT-3'
Protein context (NP_000126.2, residues 552-572): EKAIMVFEHT[Gly562Val]NIPVTVMEAS